The following is an entry in ClinVar:

NM_001283009.2(RTEL1):c.1069A>T (p.Ile357Phe)

Genes: RTEL1 (regulator of telomere elongation helicase 1; plus strand), RTEL1-TNFRSF6B (RTEL1-TNFRSF6B readthrough (NMD candidate); plus strand). Cytogenetic location: 20q13.33.
Variant type: single nucleotide variant.
Coding change: c.1069A>T on transcript NM_001283009.2 (MANE Select); coding-DNA position 1069, A replaced by T.
Protein change: p.Ile357Phe; replaces isoleucine 357 with phenylalanine.
Molecular consequence: missense variant. On other transcripts: non-coding transcript variant (1).
Genome position (GRCh38, 1-based): chr20:63,679,880, A>T. VCF-style: chr20-63679880-A-T. GRCh37 (hg19) VCF-style: chr20-62311233-A-T.
Other names: c.400A>T, p.Ile134Phe (NM_001283010.1); c.1069A>T, p.Ile357Phe (NM_016434.4); c.1141A>T, p.Ile381Phe (NM_032957.5); short protein forms I381F, I134F, I357F.
Identifiers: ClinVar variation 1028483 (VCV001028483.3), dbSNP rs2090446909, ClinGen allele CA409673832.

ClinVar aggregate classification (germline): Uncertain significance. Review status: criteria provided, multiple submitters, no conflicts (2 of 4 stars). 2 submissions from 2 submitters: Uncertain significance (2). Last evaluated 2024-03-25.

Conditions:
Dyskeratosis congenita, autosomal recessive 5 (DKCB5). Identifiers: MedGen C3554656, MONDO:0014076, OMIM 615190.

Submissions (2):

Genomic Medicine Center of Excellence, King Faisal Specialist Hospital and Research Centre
Classification: Uncertain significance for Dyskeratosis congenita, autosomal recessive 5. Last evaluated: 2024-03-25. Review status: criteria provided, single submitter. Criteria: ACMG Guidelines, 2015. Collection method: research. Allele origin: germline.

Baylor Genetics
Classification: Uncertain significance for Dyskeratosis congenita, autosomal recessive 5. Last evaluated: 2019-12-02. Review status: criteria provided, single submitter. Criteria: ACMG Guidelines, 2015. Collection method: clinical testing. Allele origin: unknown. Affected: yes.
Comment: This variant was determined to be of uncertain significance according to ACMG Guidelines, 2015 [PMID:25741868].